The following is an entry in ClinVar:

ClinVar aggregate classification (germline): Uncertain significance. Review status: criteria provided, multiple submitters, no conflicts (2 of 4 stars). 2 submissions from 2 submitters: Uncertain significance (2). Last evaluated 2025-08-15.

Submissions (2):

Labcorp Genetics (formerly Invitae), Labcorp
Classification: Uncertain significance. Last evaluated: 2025-08-15. Review status: criteria provided, single submitter. Criteria: Invitae Variant Classification Sherloc (09022015). Collection method: clinical testing. Allele origin: germline.
Comment: This sequence change replaces alanine, which is neutral and non-polar, with valine, which is neutral and non-polar, at codon 121 of the AQP5 protein (p.Ala121Val). The frequency data for this variant in the population databases is considered unreliable, as metrics indicate poor data quality at this position in the gnomAD database. This variant has not been reported in the literature in individuals affected with AQP5-related conditions. ClinVar contains an entry for this variant (Variation ID: 3935639). An algorithm developed to predict the effect of missense changes on protein structure and function (PolyPhen-2) suggests that this variant is likely to be tolerated. In summary, the available evidence is currently insufficient to determine the role of this variant in disease. Therefore, it has been classified as a Variant of Uncertain Significance.

Ambry Genetics
Classification: Uncertain significance. Last evaluated: 2025-04-03. Review status: criteria provided, single submitter. Criteria: Ambry Variant Classification Scheme 2023. Collection method: clinical testing. Allele origin: germline.

NM_001651.4(AQP5):c.362C>T (p.Ala121Val)

Genes: AQP5 (aquaporin 5; plus strand), AQP5-AS1 (AQP5 and AQP2 antisense RNA 2; minus strand). Cytogenetic location: 12q13.12.
Variant type: single nucleotide variant.
Coding change: c.362C>T on transcript NM_001651.4 (MANE Select); coding-DNA position 362, C replaced by T.
Protein change: p.Ala121Val; replaces alanine 121 with valine.
Molecular consequence: missense variant.
Genome position (GRCh38, 1-based): chr12:49,962,379, C>T. VCF-style: chr12-49962379-C-T. GRCh37 (hg19) VCF-style: chr12-50356162-C-T.
Other names: short protein forms A121V.
Identifiers: ClinVar variation 3935639 (VCV003935639.2).